The following is an entry in ClinVar:

ClinVar aggregate classification (germline): Uncertain significance (1 of 4 stars; one submission).

Conditions:
Giant axonal neuropathy 1 (GAN1). Also called: GIANT AXONAL NEUROPATHY 1, AUTOSOMAL RECESSIVE; GAN-Related Neurodegeneration. Identifiers: Orphanet 643, MedGen C1850386, MONDO:0009749, OMIM 256850.

gnomAD v4.1: 16 of 1,608,344 alleles (0.00099%); highest among the groups gnomAD compares: Non-Finnish European, 0.0014%; no homozygotes.

Submission:

Labcorp Genetics (formerly Invitae), Labcorp
Classification: Uncertain significance for Giant axonal neuropathy 1. Last evaluated: 2025-06-02. Review status: criteria provided, single submitter. Criteria: Invitae Variant Classification Sherloc (09022015). Collection method: clinical testing. Allele origin: germline.
Comment: This sequence change replaces aspartic acid, which is acidic and polar, with glycine, which is neutral and non-polar, at codon 335 of the GAN protein (p.Asp335Gly). This variant is present in population databases (no rsID available, gnomAD 0.002%). This variant has not been reported in the literature in individuals affected with GAN-related conditions. Invitae Evidence Modeling of protein sequence and biophysical properties (such as structural, functional, and spatial information, amino acid conservation, physicochemical variation, residue mobility, and thermodynamic stability) indicates that this missense variant is not expected to disrupt GAN protein function with a negative predictive value of 80%. In summary, the available evidence is currently insufficient to determine the role of this variant in disease. Therefore, it has been classified as a Variant of Uncertain Significance.

NM_022041.4(GAN):c.1004A>G (p.Asp335Gly)

Gene: GAN (gigaxonin; plus strand). Cytogenetic location: 16q23.2.
Variant type: single nucleotide variant.
Coding change: c.1004A>G on transcript NM_022041.4 (MANE Select); coding-DNA position 1004, A replaced by G.
Protein change: p.Asp335Gly; replaces aspartic acid 335 with glycine.
Molecular consequence: missense variant.
Genome position (GRCh38, 1-based): chr16:81,362,529, A>G. VCF-style: chr16-81362529-A-G. GRCh37 (hg19) VCF-style: chr16-81396134-A-G.
Other names: c.365A>G, p.Asp122Gly (NM_001377486.1); short protein forms D122G, D335G.
Identifiers: ClinVar variation 4749891 (VCV004749891.1).